The following is an entry in ClinVar:

NM_013393.3(MRM2):c.32C>T (p.Ser11Phe)

Gene: MRM2 (mitochondrial rRNA methyltransferase 2; minus strand). Cytogenetic location: 7p22.3.
Variant type: single nucleotide variant.
Coding change: c.32C>T on transcript NM_013393.3 (MANE Select); coding-DNA position 32, C replaced by T.
Protein change: p.Ser11Phe; replaces serine 11 with phenylalanine.
Molecular consequence: missense variant.
Genome position (GRCh38, 1-based): chr7:2,239,684, G>A on the plus strand (C>T on the coding strand, the complement: MRM2 is on the minus strand). VCF-style: chr7-2239684-G-A. GRCh37 (hg19) VCF-style: chr7-2279319-G-A.
Other names: short protein forms S11F.
Identifiers: ClinVar variation 776192 (VCV000776192.5), dbSNP rs55904231, ClinGen allele CA4124118.
Genomic context (GRCh38, chr7:2,239,684, plus strand): 5'-TCAGCGCCTGTCCGATTCTTGCAGCGACTCCCAACAGTGTGGAACCCTTGACGCTGAAAG[G>A]AAACACACACCAGCTTCAAGTACCTGGTGGGAGAGAAGAGGAGCAGGCAGGTTGGCATCA-3'
Protein context (NP_037525.1, residues 1-21): MAGYLKLVCV[Ser11Phe]FQRQGFHTVG

ClinVar aggregate classification (germline): Benign. Review status: criteria provided, single submitter (1 of 4 stars). 2 submissions from 2 submitters: Benign (1). 1 of the submissions does not count toward it. Last evaluated 2018-06-11.

Conditions:
MRM2-related disorder. Also called: MRM2-related condition.

Allele frequency attached by ClinVar (database versions not stated): gnomAD exomes 0.00489; ExAC 0.00616; 1000 Genomes Project 0.01877; gnomAD 0.01886 and 0.02032; 1000 Genomes Project 30x 0.01936; ESP Exome Variant Server 0.01945; TOPMed 0.02170.
gnomAD v4.1: 5,956 of 1,612,880 alleles (0.37%); highest among the groups gnomAD compares: African/African-American, 6.7%; 181 homozygotes.

Submissions (2):

Labcorp Genetics (formerly Invitae), Labcorp
Classification: Benign. Last evaluated: 2018-06-11. Review status: criteria provided, single submitter. Criteria: Invitae Variant Classification Sherloc (09022015). Collection method: clinical testing. Allele origin: germline.

PreventionGenetics, part of Exact Sciences
Classification: Benign for MRM2-related condition. Last evaluated: 2019-10-29. Review status: no assertion criteria provided. Collection method: clinical testing. Allele origin: germline. Not counted in ClinVar's aggregate classification.
Comment: This variant is classified as benign based on ACMG/AMP sequence variant interpretation guidelines (Richards et al. 2015 PMID: 25741868, with internal and published modifications).